The following is an entry in ClinVar:

NM_020708.5(SLC12A5):c.699C>T (p.Tyr233=)

Gene: SLC12A5 (solute carrier family 12 member 5; plus strand). Cytogenetic location: 20q13.12.
Variant type: single nucleotide variant.
Coding change: c.699C>T on transcript NM_020708.5 (MANE Select); coding-DNA position 699, C replaced by T.
Protein change: p.Tyr233=; no amino-acid change (tyrosine 233 retained).
Molecular consequence: synonymous variant.
Genome position (GRCh38, 1-based): chr20:46,040,459, C>T. VCF-style: chr20-46040459-C-T. GRCh37 (hg19) VCF-style: chr20-44669098-C-T.
Other names: c.768C>T, p.Tyr256= (NM_001134771.2).
Identifiers: ClinVar variation 771284 (VCV000771284.17), dbSNP rs200570265, ClinGen allele CA9887130.

ClinVar aggregate classification (germline): Likely benign. Review status: criteria provided, multiple submitters, no conflicts (2 of 4 stars). 4 submissions from 4 submitters: Likely benign (4). Last evaluated 2026-05-18.

Conditions:
Developmental and epileptic encephalopathy, 34 (DEE34). Also called: Early infantile epileptic encephalopathy 34; SLC12A5-Related Epilepsy of Infancy with Migrating Focal Seizures. Identifiers: Orphanet 293181, MedGen C4225257, MONDO:0014718, OMIM 616645.

Allele frequency attached by ClinVar (database versions not stated): gnomAD 0.00004; TOPMed 0.00007; ExAC 0.00010; gnomAD exomes 0.00010 and 0.00015.
gnomAD v4.1: 219 of 1,614,140 alleles (0.014%); highest among the groups gnomAD compares: Non-Finnish European, 0.017%; no homozygotes.

Submissions (4):

Women's Health and Genetics/Laboratory Corporation of America, LabCorp
Classification: Likely benign. Last evaluated: 2026-05-18. Review status: criteria provided, single submitter. Criteria: LabCorp Variant Classification Summary - May 2015. Collection method: clinical testing. Allele origin: germline.

CeGaT Center for Human Genetics Tuebingen
Classification: Likely benign. Last evaluated: 2026-03-01. Review status: criteria provided, single submitter. Criteria: CeGaT Center For Human Genetics Tuebingen Variant Classification Criteria Version 2. Collection method: clinical testing. Allele origin: germline. Affected: yes. Observed: 1 variant allele.
Comment: SLC12A5: BP4, BP7

Labcorp Genetics (formerly Invitae), Labcorp
Classification: Likely benign for Developmental and epileptic encephalopathy, 34. Last evaluated: 2025-12-05. Review status: criteria provided, single submitter. Criteria: Invitae Variant Classification Sherloc (09022015). Collection method: clinical testing. Allele origin: germline.

Blueprint Genetics
Classification: Likely benign. Last evaluated: 2023-09-16. Review status: criteria provided, single submitter. Criteria: ACMG Guidelines, 2015. Collection method: clinical testing. Allele origin: germline.